The following is an entry in ClinVar:

ClinVar aggregate classification (germline): Benign/Likely benign. Review status: criteria provided, multiple submitters, no conflicts (2 of 4 stars). 3 submissions from 3 submitters: Benign (1); Likely benign (2). Last evaluated 2025-11-12.

Conditions:
Hereditary cancer-predisposing syndrome. Also called: Hereditary neoplastic syndrome; Hereditary Cancer Syndrome; Neoplastic Syndromes, Hereditary; Tumor predisposition. Identifiers: Orphanet 140162, MedGen C0027672, MeSH D009386, MONDO:0015356.
Familial adenomatous polyposis 1 (FAP1). Also called: FAMILIAL ADENOMATOUS POLYPOSIS 1, ATTENUATED; POLYPOSIS, ADENOMATOUS INTESTINAL. Identifiers: MedGen C2713442, MONDO:0021056, OMIM 175100. Disease mechanism: loss of function.

Allele frequency attached by ClinVar (database versions not stated): gnomAD exomes below 0.00001.
gnomAD v4.1: 1 of 1,614,094 alleles (0.000062%); highest among the groups gnomAD compares: African/African-American, 0.0013%; no homozygotes.

Submissions (3):

Labcorp Genetics (formerly Invitae), Labcorp
Classification: Likely benign for Familial adenomatous polyposis 1. Last evaluated: 2025-11-12. Review status: criteria provided, single submitter. Criteria: Invitae Variant Classification Sherloc (09022015). Collection method: clinical testing. Allele origin: germline.

Myriad Genetics, Inc.
Classification: Benign for Familial adenomatous polyposis 1. Last evaluated: 2024-04-15. Review status: criteria provided, single submitter. Criteria: Myriad Autosomal Dominant, Autosomal Recessive and X-Linked Classification Criteria (2023). Collection method: clinical testing. Allele origin: unknown.
Comment: This variant is considered benign. This variant is a silent/synonymous amino acid change and it is not expected to impact splicing.

Ambry Genetics
Classification: Likely benign for Hereditary cancer-predisposing syndrome. Last evaluated: 2015-01-20. Review status: criteria provided, single submitter. Criteria: Ambry Variant Classification Scheme 2023. Collection method: clinical testing. Allele origin: germline.

NM_000038.6(APC):c.8235T>C (p.Pro2745=)

Gene: APC (APC regulator of Wnt signaling pathway; plus strand). Cytogenetic location: 5q22.2.
Variant type: single nucleotide variant.
Coding change: c.8235T>C on transcript NM_000038.6 (MANE Select); coding-DNA position 8235, T replaced by C.
Protein change: p.Pro2745=; no amino-acid change (proline 2745 retained).
Molecular consequence: synonymous variant.
Genome position (GRCh38, 1-based): chr5:112,843,829, T>C. VCF-style: chr5-112843829-T-C. GRCh37 (hg19) VCF-style: chr5-112179526-T-C.
Other names: c.8235T>C, p.Pro2745= (NM_001127510.3, NM_001354895.2); c.8181T>C, p.Pro2727= (NM_001127511.3); c.8289T>C, p.Pro2763= (NM_001354896.2); c.8265T>C, p.Pro2755= (NM_001354897.2); c.8160T>C, p.Pro2720= (NM_001354898.2); c.8151T>C, p.Pro2717= (NM_001354899.2); c.8112T>C, p.Pro2704= (NM_001354900.2); c.8058T>C, p.Pro2686= (NM_001354901.2); and 5 more.
Identifiers: ClinVar variation 229744 (VCV000229744.16), dbSNP rs786201446, ClinGen allele CA10578461.